The following is an entry in ClinVar:

NM_001365276.2(TNXB):c.881G>A (p.Arg294His)

Gene: TNXB (tenascin XB; minus strand). Cytogenetic location: 6p21.33.
Variant type: single nucleotide variant.
Coding change: c.881G>A on transcript NM_001365276.2 (MANE Select); coding-DNA position 881, G replaced by A.
Protein change: p.Arg294His; replaces arginine 294 with histidine.
Molecular consequence: missense variant.
Genome position (GRCh38, 1-based): chr6:32,096,972, C>T on the plus strand (G>A on the coding strand, the complement: TNXB is on the minus strand). VCF-style: chr6-32096972-C-T. GRCh37 (hg19) VCF-style: chr6-32064749-C-T.
Other names: c.881G>A, p.Arg294His (NM_019105.8); short protein forms R294H.
Identifiers: ClinVar variation 1764775 (VCV001764775.14), dbSNP rs757817268, ClinGen allele CA3735771.

ClinVar aggregate classification (germline): Uncertain significance. Review status: criteria provided, multiple submitters, no conflicts (2 of 4 stars). 4 submissions from 4 submitters: Uncertain significance (4). Last evaluated 2025-08-01.

Conditions:
Cardiovascular phenotype. Identifiers: MedGen CN230736.

Allele frequency attached by ClinVar (database versions not stated): ExAC 0.00001; gnomAD exomes 0.00003; TOPMed 0.00003; gnomAD 0.00006.
gnomAD v4.1: 54 of 1,605,570 alleles (0.0034%); highest among the groups gnomAD compares: African/African-American, 0.0053%; no homozygotes.

Submissions (4):

CeGaT Center for Human Genetics Tuebingen
Classification: Uncertain significance. Last evaluated: 2025-08-01. Review status: criteria provided, single submitter. Criteria: CeGaT Center For Human Genetics Tuebingen Variant Classification Criteria Version 2. Collection method: clinical testing. Allele origin: germline. Affected: yes. Observed: 1 variant allele.
Comment: TNXB: PM2:Supporting, BP4

Ambry Genetics
Classification: Uncertain significance for Cardiovascular phenotype. Last evaluated: 2025-07-12. Review status: criteria provided, single submitter. Criteria: Ambry Variant Classification Scheme 2023. Collection method: clinical testing. Allele origin: germline.
Comment: The p.R294H variant (also known as c.881G>A), located in coding exon 2 of the TNXB gene, results from a G to A substitution at nucleotide position 881. The arginine at codon 294 is replaced by histidine, an amino acid with highly similar properties. This amino acid position is conserved. In addition, this alteration is predicted to be tolerated by in silico analysis. Since supporting evidence is limited at this time, the clinical significance of this alteration remains unclear.

Women's Health and Genetics/Laboratory Corporation of America, LabCorp
Classification: Uncertain significance. Last evaluated: 2025-07-08. Review status: criteria provided, single submitter. Criteria: LabCorp Variant Classification Summary - May 2015. Collection method: clinical testing. Allele origin: germline.
Comment: Variant summary: TNXB c.881G>A (p.Arg294His) results in a non-conservative amino acid change in the encoded protein sequence. Algorithms developed to predict the effect of missense changes on protein structure and function are either unavailable or do not agree on the potential impact of this missense change. The variant allele was found at a frequency of 1.2e-05 in 247690 control chromosomes. The available data on variant occurrences in the general population are insufficient to allow any conclusion about variant significance. To our knowledge, no occurrence of c.881G>A in individuals affected with Ehlers-Danlos syndrome due to tenascin-X deficiency and no experimental evidence demonstrating its impact on protein function have been reported. ClinVar contains an entry for this variant (Variation ID: 1764775). Based on the evidence outlined above, the variant was classified as uncertain significance.

GeneDx
Classification: Uncertain significance. Last evaluated: 2023-09-28. Review status: criteria provided, single submitter. Criteria: GeneDx Variant Classification Process June 2021. Collection method: clinical testing. Allele origin: germline. Affected: yes.
Comment: Not observed at significant frequency in large population cohorts (gnomAD); In silico analysis supports that this missense variant has a deleterious effect on protein structure/function; Has not been previously published as pathogenic or benign to our knowledge